The following is an entry in ClinVar:

ClinVar aggregate classification (germline): Uncertain significance (1 of 4 stars; one submission).

Conditions:
Hereditary cancer-predisposing syndrome. Also called: Hereditary Cancer Syndrome; Neoplastic Syndromes, Hereditary; Tumor predisposition; Hereditary neoplastic syndrome. Identifiers: Orphanet 140162, MedGen C0027672, MeSH D009386, MONDO:0015356.

Submission:

Ambry Genetics
Classification: Uncertain significance for Hereditary cancer-predisposing syndrome. Last evaluated: 2026-06-29. Review status: criteria provided, single submitter. Criteria: Ambry Variant Classification Scheme 2023. Collection method: clinical testing. Allele origin: germline.
Comment: The p.Q1126R variant (also known as c.3377A>G), located in coding exon 28 of the EGFR gene, results from an A to G substitution at nucleotide position 3377. The glutamine at codon 1126 is replaced by arginine, an amino acid with highly similar properties. This amino acid position is well conserved in available vertebrate species. In addition, this alteration is predicted to be tolerated by in silico analysis. Based on the available evidence, the clinical significance of this variant remains unclear.

NM_005228.5(EGFR):c.3377A>G (p.Gln1126Arg)

Gene: EGFR (epidermal growth factor receptor; plus strand). Cytogenetic location: 7p11.2.
Variant type: single nucleotide variant.
Coding change: c.3377A>G on transcript NM_005228.5 (MANE Select); coding-DNA position 3377, A replaced by G.
Protein change: p.Gln1126Arg; replaces glutamine 1126 with arginine.
Molecular consequence: missense variant.
Genome position (GRCh38, 1-based): chr7:55,205,361, A>G. VCF-style: chr7-55205361-A-G. GRCh37 (hg19) VCF-style: chr7-55273054-A-G.
Other names: c.3242A>G, p.Gln1081Arg (NM_001346899.2); c.3218A>G, p.Gln1073Arg (NM_001346900.2); c.2576A>G, p.Gln859Arg (NM_001346941.2); short protein forms Q1126R, Q1073R, Q1081R, Q859R.
Identifiers: ClinVar variation 5035742 (VCV005035742.1).